The following is an entry in ClinVar:

NM_012082.4(ZFPM2):c.2228A>G (p.Glu743Gly)

Genes: ZFPM2 (zinc finger protein, FOG family member 2; plus strand), ZFPM2-AS1 (ZFPM2 antisense RNA 1; minus strand), LOC126860469 (BRD4-independent group 4 enhancer GRCh37_chr8:106814445-106815644; plus strand). Cytogenetic location: 8q23.1.
Variant type: single nucleotide variant.
Coding change: c.2228A>G on transcript NM_012082.4 (MANE Select); coding-DNA position 2228, A replaced by G.
Protein change: p.Glu743Gly; replaces glutamic acid 743 with glycine.
Molecular consequence: missense variant.
Genome position (GRCh38, 1-based): chr8:105,802,310, A>G. VCF-style: chr8-105802310-A-G. GRCh37 (hg19) VCF-style: chr8-106814538-A-G.
Other names: c.2069A>G, p.Glu690Gly (NM_001362836.2); c.1832A>G, p.Glu611Gly (NM_001362837.2); short protein forms E611G, E690G, E743G.
Identifiers: ClinVar variation 3368842 (VCV003368842.1).
Genomic context (GRCh38, chr8:105,802,310, plus strand): 5'-CCAACAAAGTGCCTGCCATGCAGAGAACCATGCGCACACGCAAGCGCAGAAAGATGTATG[A>G]GATGTGCCTACCTGAGCAGGAACAAAGGCCTCCACTGGTTCAGCAGAGATTTCTTGACGT-3'
Protein context (NP_036214.2, residues 733-753): MRTRKRRKMY[Glu743Gly]MCLPEQEQRP

ClinVar aggregate classification (germline): Uncertain significance (1 of 4 stars; one submission).

Submission:

GeneDx
Classification: Uncertain significance. Last evaluated: 2024-02-11. Review status: criteria provided, single submitter. Criteria: GeneDx Variant Classification Process June 2021. Collection method: clinical testing. Allele origin: germline. Affected: yes.
Comment: Not observed at significant frequency in large population cohorts (gnomAD); In silico analysis supports that this missense variant has a deleterious effect on protein structure/function; Has not been previously published as pathogenic or benign to our knowledge